The following is an entry in ClinVar:

NM_015512.5(DNAH1):c.9495G>A (p.Thr3165=)

Gene: DNAH1 (dynein axonemal heavy chain 1; plus strand). Cytogenetic location: 3p21.1.
Variant type: single nucleotide variant.
Coding change: c.9495G>A on transcript NM_015512.5 (MANE Select); coding-DNA position 9495, G replaced by A.
Protein change: p.Thr3165=; no amino-acid change (threonine 3165 retained).
Molecular consequence: synonymous variant.
Genome position (GRCh38, 1-based): chr3:52,388,937, G>A. VCF-style: chr3-52388937-G-A. GRCh37 (hg19) VCF-style: chr3-52422953-G-A.
Identifiers: ClinVar variation 2164432 (VCV002164432.4), dbSNP rs754194652, ClinGen allele CA2435539.

ClinVar aggregate classification (germline): Uncertain significance (1 of 4 stars; one submission).

Conditions:
Spermatogenic failure 18. Identifiers: MedGen C4539783, MONDO:0054615, OMIM 617576.
Ciliary dyskinesia, primary, 37 (CILD37). Also called: CILIARY DYSKINESIA, PRIMARY, 37, WITH OR WITHOUT SITUS INVERSUS. Identifiers: MedGen C4539798, MONDO:0033204, OMIM 617577.

Allele frequency attached by ClinVar (database versions not stated): TOPMed below 0.00001; ExAC 0.00001; gnomAD exomes 0.00001; gnomAD 0.00002.
gnomAD v4.1: 11 of 1,593,998 alleles (0.00069%); highest among the groups gnomAD compares: East Asian, 0.0045%; no homozygotes.

Submission:

Labcorp Genetics (formerly Invitae), Labcorp
Classification: Uncertain significance for Ciliary dyskinesia, primary, 37; Spermatogenic failure 18. Last evaluated: 2022-02-24. Review status: criteria provided, single submitter. Criteria: Invitae Variant Classification Sherloc (09022015). Collection method: clinical testing. Allele origin: germline.
Comment: This variant has not been reported in the literature in individuals affected with DNAH1-related conditions. The frequency data for this variant in the population databases is considered unreliable, as metrics indicate poor data quality at this position in the gnomAD database. This sequence change affects codon 3165 of the DNAH1 mRNA. It is a 'silent' change, meaning that it does not change the encoded amino acid sequence of the DNAH1 protein. This variant also falls at the last nucleotide of exon 59, which is part of the consensus splice site for this exon. Variants that disrupt the consensus splice site are a relatively common cause of aberrant splicing (PMID: 17576681, 9536098). Algorithms developed to predict the effect of sequence changes on RNA splicing suggest that this variant is not likely to affect RNA splicing. In summary, the available evidence is currently insufficient to determine the role of this variant in disease. Therefore, it has been classified as a Variant of Uncertain Significance.

Literature cited by the submitters: PubMed 17576681; PubMed 9536098.